The following is an entry in ClinVar:

NM_182914.3(SYNE2):c.14340+168A>C

Gene: SYNE2 (spectrin repeat containing nuclear envelope protein 2; plus strand). Cytogenetic location: 14q23.2.
Variant type: single nucleotide variant.
Coding change: c.14340+168A>C on transcript NM_182914.3 (MANE Select); 168 bases into the intron after coding-DNA position 14340, A replaced by C.
Molecular consequence: intron variant.
Genome position (GRCh38, 1-based): chr14:64,130,416, A>C. VCF-style: chr14-64130416-A-C. GRCh37 (hg19) VCF-style: chr14-64597134-A-C.
Other names: c.14340+168A>C (NM_015180.6).
Identifiers: ClinVar variation 1706833 (VCV001706833.2), dbSNP rs150782192, ClinGen allele CA261853416.
Genomic context (GRCh38, chr14:64,130,416, plus strand): 5'-TATTCATTCTTTTAATAAACATCTATTAGAATGCTTAATGTGTACCAGGAACCCTGGTAC[A>C]TGCTAGGAATTTGGGTTATGAGTAAAAACAGACACAGTTCCTTACATTCACAGAGCTTTC-3'

ClinVar aggregate classification (germline): Likely benign (1 of 4 stars; one submission).

Allele frequency attached by ClinVar (database versions not stated): 1000 Genomes Project 0.00240; 1000 Genomes Project 30x 0.00250; TOPMed 0.00523; gnomAD 0.00608.
gnomAD v4.1: 917 of 152,350 alleles (0.6%); highest among the groups gnomAD compares: Middle Eastern, 1.4%; 4 homozygotes.

Submission:

GeneDx
Classification: Likely benign. Last evaluated: 2018-07-14. Review status: criteria provided, single submitter. Criteria: GeneDx Variant Classification Process June 2021. Collection method: clinical testing. Allele origin: germline. Affected: yes.
Comment: See Variant Classification Assertion Criteria.